The following is an entry in ClinVar:

NM_022168.4(IFIH1):c.155C>T (p.Thr52Ile)

Gene: IFIH1 (interferon induced with helicase C domain 1; minus strand). Cytogenetic location: 2q24.2.
Variant type: single nucleotide variant.
Coding change: c.155C>T on transcript NM_022168.4 (MANE Select); coding-DNA position 155, C replaced by T.
Protein change: p.Thr52Ile; replaces threonine 52 with isoleucine.
Molecular consequence: missense variant.
Genome position (GRCh38, 1-based): chr2:162,318,153, G>A on the plus strand (C>T on the coding strand, the complement: IFIH1 is on the minus strand). VCF-style: chr2-162318153-G-A. GRCh37 (hg19) VCF-style: chr2-163174663-G-A.
Other names: short protein forms T52I.
Identifiers: ClinVar variation 3753646 (VCV003753646.2).

ClinVar aggregate classification (germline): Uncertain significance (1 of 4 stars; one submission).

Conditions:
Singleton-Merten syndrome 1 (SGMRT1). Also called: Widened medullary cavities of bone, aortic calcification, abnormal dentition, and muscular weakness; Syndrome of widened medullary cavities of the metacarpals and phalanges, aortic calcification and abnormal dentition. Identifiers: Orphanet 85191, MedGen C4225427, MONDO:0024535, OMIM 182250.
Aicardi-Goutieres syndrome 7 (AGS7). Identifiers: Orphanet 51, MedGen C3888244, MONDO:0014367, OMIM 615846.

Submission:

Labcorp Genetics (formerly Invitae), Labcorp
Classification: Uncertain significance for Aicardi-Goutieres syndrome 7; Singleton-Merten syndrome 1. Last evaluated: 2024-04-23. Review status: criteria provided, single submitter. Criteria: Invitae Variant Classification Sherloc (09022015). Collection method: clinical testing. Allele origin: germline.
Comment: This sequence change replaces threonine, which is neutral and polar, with isoleucine, which is neutral and non-polar, at codon 52 of the IFIH1 protein (p.Thr52Ile). This variant is not present in population databases (gnomAD no frequency). This variant has not been reported in the literature in individuals affected with IFIH1-related conditions. Advanced modeling of protein sequence and biophysical properties (such as structural, functional, and spatial information, amino acid conservation, physicochemical variation, residue mobility, and thermodynamic stability) has been performed at Invitae for this missense variant, however the output from this modeling did not meet the statistical confidence thresholds required to predict the impact of this variant on IFIH1 protein function. In summary, the available evidence is currently insufficient to determine the role of this variant in disease. Therefore, it has been classified as a Variant of Uncertain Significance.